The following is an entry in ClinVar:

NM_018117.12(WDR11):c.926A>G (p.Asn309Ser)

Gene: WDR11 (WD repeat domain 11; plus strand). Cytogenetic location: 10q26.12.
Variant type: single nucleotide variant.
Coding change: c.926A>G on transcript NM_018117.12 (MANE Select); coding-DNA position 926, A replaced by G.
Protein change: p.Asn309Ser; replaces asparagine 309 with serine.
Molecular consequence: missense variant.
Genome position (GRCh38, 1-based): chr10:120,865,676, A>G. VCF-style: chr10-120865676-A-G. GRCh37 (hg19) VCF-style: chr10-122625188-A-G.
Other names: short protein forms N309S.
Identifiers: ClinVar variation 2672169 (VCV002672169.1), dbSNP rs2493267693, ClinGen allele CA378323042.

ClinVar aggregate classification (germline): Uncertain significance (1 of 4 stars; one submission).

Submission:

Clinical Genomics Laboratory, Washington University in St. Louis
Classification: Uncertain significance. Last evaluated: 2023-10-23. Review status: criteria provided, single submitter. Criteria: ACMG Guidelines, 2015. Collection method: clinical testing. Allele origin: germline.
Comment: The WDR11 c.926A>G (p.Asn309Ser) variant, to our knowledge, has not been reported in the medical literature and is absent from the general population (gnomAD v.2.1.1), indicating it is not a common variant. Computational predictors indicate that the variant is damaging, evidence that correlates with impact to WDR11 function. Due to limited information, the clinical significance of this variant is uncertain.